The following is an entry in ClinVar:

ClinVar aggregate classification (germline): Uncertain significance (1 of 4 stars; one submission).

Conditions:
Hereditary antithrombin deficiency (AT3D). Also called: Antithrombin deficiency; Reduced antithrombin III activity; Antithrombin III deficiency; Thrombophilia due to antithrombin III deficiency. Identifiers: Orphanet 82, MedGen C0272375, MONDO:0013144, OMIM 613118, HP:0001976.

Allele frequency attached by ClinVar (database versions not stated): gnomAD exomes 0.00001; ExAC 0.00002; TOPMed 0.00006; gnomAD 0.00007; ESP Exome Variant Server 0.00008.
gnomAD v4.1: 15 of 1,613,862 alleles (0.00093%); highest among the groups gnomAD compares: African/African-American, 0.02%; no homozygotes.

Submission:

Labcorp Genetics (formerly Invitae), Labcorp
Classification: Uncertain significance for Hereditary antithrombin deficiency. Last evaluated: 2023-07-16. Review status: criteria provided, single submitter. Criteria: Invitae Variant Classification Sherloc (09022015). Collection method: clinical testing. Allele origin: germline.
Comment: Advanced modeling of protein sequence and biophysical properties (such as structural, functional, and spatial information, amino acid conservation, physicochemical variation, residue mobility, and thermodynamic stability) performed at Invitae indicates that this missense variant is not expected to disrupt SERPINC1 protein function. In summary, the available evidence is currently insufficient to determine the role of this variant in disease. Therefore, it has been classified as a Variant of Uncertain Significance. This variant has not been reported in the literature in individuals affected with SERPINC1-related conditions. This variant is present in population databases (rs149006854, gnomAD 0.02%). This sequence change replaces leucine, which is neutral and non-polar, with methionine, which is neutral and non-polar, at codon 375 of the SERPINC1 protein (p.Leu375Met).

NM_000488.4(SERPINC1):c.1123C>A (p.Leu375Met)

Gene: SERPINC1 (serpin family C member 1; minus strand). Cytogenetic location: 1q25.1.
Variant type: single nucleotide variant.
Coding change: c.1123C>A on transcript NM_000488.4 (MANE Select); coding-DNA position 1123, C replaced by A.
Protein change: p.Leu375Met; replaces leucine 375 with methionine.
Molecular consequence: missense variant.
Genome position (GRCh38, 1-based): chr1:173,909,582, G>T on the plus strand (C>A on the coding strand, the complement: SERPINC1 is on the minus strand). VCF-style: chr1-173909582-G-T. GRCh37 (hg19) VCF-style: chr1-173878720-G-T.
Other names: c.979C>A, p.Leu327Met (NM_001365052.2); c.1246C>A, p.Leu416Met (NM_001386302.1); c.1204C>A, p.Leu402Met (NM_001386303.1); c.1102C>A, p.Leu368Met (NM_001386304.1); c.1066C>A, p.Leu356Met (NM_001386305.1); c.907C>A, p.Leu303Met (NM_001386306.1); short protein forms L303M, L375M, L356M, L327M, L368M, L416M, L402M.
Identifiers: ClinVar variation 2892122 (VCV002892122.3), dbSNP rs149006854, ClinGen allele CA1251278.